The following is an entry in ClinVar:

NM_144997.7(FLCN):c.44dup (p.Arg17fs)

Gene: FLCN (folliculin; minus strand). Cytogenetic location: 17p11.2.
Variant type: Duplication.
Coding change: c.44dup on transcript NM_144997.7 (MANE Select); coding-DNA position 44, one base duplicated (G; older notation c.44dupG).
Protein change: p.Arg17fs; shifts the reading frame from arginine 17.
Molecular consequence: frameshift variant.
Genome position (GRCh38, 1-based): chr17:17,228,094, C duplicated on the plus strand (G on the coding strand, the reverse complement: FLCN is on the minus strand); the first of 2 consecutive C bases (chr17:17,228,094-17,228,095); duplicating either gives the same sequence. VCF-style (leftmost placement, unchanged base first): chr17-17228093-G-GC. GRCh37 (hg19) VCF-style: chr17-17131407-G-GC.
Other names: c.44dup (LRG_325t1); c.44dupG (NM_144997.5); c.44dup, p.Arg17fs (NM_001353229.2, NM_001353230.2, NM_001353231.2 and 1 more transcripts); short protein forms R17fs.
Identifiers: ClinVar variation 428656 (VCV000428656.7), dbSNP rs1131690839, ClinGen allele CA645369711.
Genomic context (GRCh38, chr17:17,228,093, plus strand): 5'-ATTCCCATCCCCTTGAGGAAGTGGGGCGTGCAGCACCTCCGTGCAGAAGAGAGTGCGGGG[G>GC]CCGTGGAGCTCGCAGAAGTGGCAGAGAGCCACGATGGCATTCATGGTGCCTTGGAGACTG-3'

ClinVar aggregate classification (germline): Pathogenic/Likely pathogenic. Review status: criteria provided, multiple submitters, no conflicts (2 of 4 stars). 2 submissions from 2 submitters: Pathogenic (1); Likely pathogenic (1). Last evaluated 2026-05-04.

Conditions:
Hereditary cancer-predisposing syndrome. Also called: Hereditary Cancer Syndrome; Tumor predisposition; Hereditary neoplastic syndrome; Neoplastic Syndromes, Hereditary. Identifiers: Orphanet 140162, MedGen C0027672, MeSH D009386, MONDO:0015356.
Nonpapillary renal cell carcinoma. Identifiers: Orphanet 422526, MedGen CN074294, MONDO:0007763, OMIM 144700.
Colorectal cancer. Also called: Malignant Colorectal Neoplasm; Colorectal cancer, somatic. Identifiers: MedGen C0346629, MONDO:0005575, OMIM 114500.
Birt-Hogg-Dube syndrome 1 (BHD1). Also called: FIBROFOLLICULOMAS WITH TRICHODISCOMAS AND ACROCHORDONS. Identifiers: Orphanet 122, MedGen CN375946, MONDO:0800445, OMIM 135150.
Familial spontaneous pneumothorax (PSP). Identifiers: Orphanet 2903, MedGen C1868193, MONDO:0008259, OMIM 173600.

Submissions (2):

Ambry Genetics
Classification: Pathogenic for Hereditary cancer-predisposing syndrome. Last evaluated: 2026-05-04. Review status: criteria provided, single submitter. Criteria: Ambry Variant Classification Scheme 2023. Collection method: clinical testing. Allele origin: germline.
Comment: The c.44dupG pathogenic mutation, located in coding exon 1 of the FLCN gene, results from a duplication of G at nucleotide position 44, causing a translational frameshift with a predicted alternate stop codon (p.R17Pfs*20). This variant was reported in individual(s) with features consistent with Birt-Hogg-Dube syndrome (Ambry internal data). This variant is considered to be rare based on population cohorts in the Genome Aggregation Database (gnomAD). This alteration is expected to result in loss of function by premature protein truncation or nonsense-mediated mRNA decay. As such, this alteration is interpreted as a disease-causing mutation.

Fulgent Genetics
Classification: Likely pathogenic for Colorectal cancer; Birt-Hogg-Dube syndrome 1; Nonpapillary renal cell carcinoma; Familial spontaneous pneumothorax. Last evaluated: 2024-05-30. Review status: criteria provided, single submitter. Criteria: ACMG Guidelines, 2015. Collection method: clinical testing. Allele origin: germline.